The following is an entry in ClinVar:

NM_001330078.2(NRXN1):c.4275G>A (p.Arg1425=)

Gene: NRXN1 (neurexin 1; minus strand). Cytogenetic location: 2p16.3.
Variant type: single nucleotide variant.
Coding change: c.4275G>A on transcript NM_001330078.2 (MANE Select); coding-DNA position 4275, G replaced by A.
Protein change: p.Arg1425=; no amino-acid change (arginine 1425 retained).
Molecular consequence: synonymous variant.
Genome position (GRCh38, 1-based): chr2:49,922,193, C>T on the plus strand (G>A on the coding strand, the complement: NRXN1 is on the minus strand). VCF-style: chr2-49922193-C-T. GRCh37 (hg19) VCF-style: chr2-50149331-C-T.
Other names: c.4395G>A, p.Arg1465= (NM_001135659.3); c.180G>A, p.Arg60= (NM_001320156.4); c.171G>A, p.Arg57= (NM_001320157.4); c.4251G>A, p.Arg1417= (NM_001330077.2); c.4242G>A, p.Arg1414= (NM_001330082.2); c.4110G>A, p.Arg1370= (NM_001330083.2); c.4209G>A, p.Arg1403= (NM_001330084.2); c.4248G>A, p.Arg1416= (NM_001330085.2); and 12 more.
Identifiers: ClinVar variation 1111864 (VCV001111864.32), dbSNP rs143495349, ClinGen allele CA47801026.

ClinVar aggregate classification (germline): Likely benign. Review status: criteria provided, multiple submitters, no conflicts (2 of 4 stars). 2 submissions from 2 submitters: Likely benign (2). Last evaluated 2023-12-30.

Conditions:
Pitt-Hopkins-like syndrome 2 (PTHSL2). Identifiers: Orphanet 221150, Orphanet 600663, MedGen C3280479, MONDO:0013690, OMIM 614325.

gnomAD v4.1: 10 of 1,614,128 alleles (0.00062%); highest among the groups gnomAD compares: Non-Finnish European, 0.00076%; no homozygotes.

Submissions (2):

Labcorp Genetics (formerly Invitae), Labcorp
Classification: Likely benign for Pitt-Hopkins-like syndrome 2. Last evaluated: 2023-12-30. Review status: criteria provided, single submitter. Criteria: Invitae Variant Classification Sherloc (09022015). Collection method: clinical testing. Allele origin: germline.

CeGaT Center for Human Genetics Tuebingen
Classification: Likely benign. Last evaluated: 2022-08-01. Review status: criteria provided, single submitter. Criteria: CeGaT Center For Human Genetics Tuebingen Variant Classification Criteria Version 2. Collection method: clinical testing. Allele origin: germline. Affected: yes. Observed: 1 variant allele.
Comment: NRXN1: BP4, BP7